The following is an entry in ClinVar:

NM_001377.3(DYNC2H1):c.9436G>T (p.Glu3146Ter)

Gene: DYNC2H1 (dynein cytoplasmic 2 heavy chain 1; plus strand). Cytogenetic location: 11q22.3.
Variant type: single nucleotide variant.
Coding change: c.9436G>T on transcript NM_001377.3 (MANE Select); coding-DNA position 9436, G replaced by T.
Protein change: p.Glu3146Ter; replaces glutamic acid 3146 with a stop codon.
Molecular consequence: nonsense.
Genome position (GRCh38, 1-based): chr11:103,231,342, G>T. VCF-style: chr11-103231342-G-T. GRCh37 (hg19) VCF-style: chr11-103102071-G-T.
Other names: c.9436G>T, p.Glu3146Ter (NM_001080463.2); short protein forms E3146*.
Identifiers: ClinVar variation 5013669 (VCV005013669.1).

ClinVar aggregate classification (germline): Pathogenic (1 of 4 stars; one submission).

Conditions:
Asphyxiating thoracic dystrophy 3. Also called: Saldino-Noonan Syndrome; SHORT-RIB THORACIC DYSPLASIA 3 WITH OR WITHOUT POLYDACTYLY; POLYDACTYLY WITH NEONATAL CHONDRODYSTROPHY, TYPE I; SHORT-RIB THORACIC DYSPLASIA 3/6 WITH POLYDACTYLY, DIGENIC; Short rib polydactyly syndrome 2B. Identifiers: Orphanet 474, Orphanet 93269, Orphanet 93270, Orphanet 93271, MedGen C0036069, MONDO:0013127, OMIM 613091.

Submission:

Myriad Genetics, Inc.
Classification: Pathogenic for Asphyxiating thoracic dystrophy 3. Last evaluated: 2024-10-22. Review status: criteria provided, single submitter. Criteria: Myriad Autosomal Dominant, Autosomal Recessive and X-Linked Classification Criteria (2023). Collection method: clinical testing. Allele origin: unknown.
Comment: NM_001377.2(DYNC2H1):c.9436G>T(E3146*) is expected to be pathogenic in the context of DYNC2H1-related disorders. This variant is predicted to lead to an abnormal or absent protein product due to the creation of a premature termination codon in DYNC2H1, a gene where loss-of-function variants are known to be pathogenic. Please note: this variant was assessed in the context of healthy population screening.